The following is an entry in ClinVar:

ClinVar aggregate classification (germline): Uncertain significance. Review status: criteria provided, multiple submitters, no conflicts (2 of 4 stars). 2 submissions from 2 submitters: Uncertain significance (2). Last evaluated 2025-01-27.

Submissions (2):

GeneDx
Classification: Uncertain significance. Last evaluated: 2025-01-27. Review status: criteria provided, single submitter. Criteria: GeneDx Variant Classification Process June 2021. Collection method: clinical testing. Allele origin: germline. Affected: yes.
Comment: Not observed at significant frequency in large population cohorts (gnomAD); In silico analysis indicates that this missense variant does not alter protein structure/function; Has not been previously published as pathogenic or benign to our knowledge

Ambry Genetics
Classification: Uncertain significance. Last evaluated: 2021-12-15. Review status: criteria provided, single submitter. Criteria: Ambry Variant Classification Scheme 2023. Collection method: clinical testing. Allele origin: germline.

NM_001961.4(EEF2):c.2239G>A (p.Val747Met)

Genes: EEF2 (eukaryotic translation elongation factor 2; minus strand), LOC130063169 (ATAC-STARR-seq lymphoblastoid active region 13746; plus strand). Cytogenetic location: 19p13.3.
Variant type: single nucleotide variant.
Coding change: c.2239G>A on transcript NM_001961.4 (MANE Select); coding-DNA position 2239, G replaced by A.
Protein change: p.Val747Met; replaces valine 747 with methionine.
Molecular consequence: missense variant.
Genome position (GRCh38, 1-based): chr19:3,977,439, C>T on the plus strand (G>A on the coding strand, the complement: EEF2 is on the minus strand). VCF-style: chr19-3977439-C-T. GRCh37 (hg19) VCF-style: chr19-3977437-C-T.
Other names: short protein forms V747M.
Identifiers: ClinVar variation 2267477 (VCV002267477.3), dbSNP rs2512198877, ClinGen allele CA403389779.
Genomic context (GRCh38, chr19:3,977,439, plus strand): 5'-CCGCTGGGCAGGACGGTGGCAGGGTCAGCGGTGGGCGGGTAGACCTCACCTGGATCTCCA[C>T]AAGGTAGATGGGCTCCATGAGGCGTGGCTGGGCGGTCAGCACACTGGCATAGAGGCAGCG-3'
Protein context (NP_001952.1, residues 737-757): QPRLMEPIYL[Val747Met]EIQCPEQVVG